The following is an entry in ClinVar:

NM_001164508.2(NEB):c.5343+5G>A

Gene: NEB (nebulin; minus strand). Cytogenetic location: 2q23.3.
Variant type: single nucleotide variant.
Coding change: c.5343+5G>A on transcript NM_001164508.2 (MANE Select); 5 bases into the intron after coding-DNA position 5343, G replaced by A.
Molecular consequence: intron variant.
Genome position (GRCh38, 1-based): chr2:151,664,754, C>T on the plus strand (G>A on the coding strand, the complement: NEB is on the minus strand). VCF-style: chr2-151664754-C-T. GRCh37 (hg19) VCF-style: chr2-152521268-C-T.
Other names: c.5343+5G>A (NM_001271208.1, NM_004543.5, NM_001164507.2 and 1 more transcripts).
Identifiers: ClinVar variation 1458230 (VCV001458230.12), dbSNP rs2154175371, ClinGen allele CA2573133252.
Genomic context (GRCh38, chr2:151,664,754, plus strand): 5'-TGCAGACATAAGTATCAGTTCCCTTTAACCTTCTCCCCAGCTTTTGCTGTTGTTAACCTA[C>T]TTACATCACTCATGGTGATTTGGTTTACTCTGGAGAGTAAAATATCCGGTGTGTCAGGCA-3'

ClinVar aggregate classification (germline): Pathogenic/Likely pathogenic. Review status: criteria provided, multiple submitters, no conflicts (2 of 4 stars). 7 submissions from 7 submitters: Pathogenic (4); Likely pathogenic (3). Last evaluated 2025-05-08.

Conditions:
Nemaline myopathy. Also called: Myopathies, Nemaline. Identifiers: Orphanet 607, MedGen C0206157, MONDO:0018958.
Arthrogryposis multiplex congenita 6. Identifiers: MedGen C5543431, MONDO:0030281, OMIM 619334.
Nemaline myopathy 2 (NEM2). Also called: Nemaline myopathy 2, autosomal recessive. Identifiers: MedGen C1850569, MONDO:0009725, OMIM 256030.

Submissions (7):

Natera, Inc.
Classification: Pathogenic for Nemaline myopathy type 2. Last evaluated: 2025-05-08. Review status: criteria provided, single submitter. Criteria: Natera Variant Classification Schema (03/2026). Collection method: clinical testing. Allele origin: germline.
Comment: The c.5343+5G>A variant in NEB is an intronic variant located outside the canonical splice sites. This variant is rare in the general population with a frequency below the threshold expected for the associated phenotype(s). This variant has been observed in one or more individuals affected with the associated recessive disease, as either homozygous or compound heterozygous with a second variant (PMID: 16917880, 36714460, 36233295). Additionally, this variant has been observed to segregate in affected family members (PMID: 36233295). Functional studies show that this variant may disrupt protein function (PMID: 16917880). Computational prediction algorithms indicate this variant is likely to affect gene or protein function. Given the available evidence, this variant is classified as Pathogenic.

Myriad Genetics, Inc.
Classification: Likely pathogenic for Nemaline myopathy 2. Last evaluated: 2025-03-05. Review status: criteria provided, single submitter. Criteria: Myriad Autosomal Dominant, Autosomal Recessive and X-Linked Classification Criteria (2023). Collection method: clinical testing. Allele origin: unknown.
Comment: NM_001271208.1(NEB):c.5343+5G>A is an intronic variant classified as likely pathogenic in the context of NEB-related nemaline myopathy. c.5343+5G>A has been observed in cases with relevant disease (PMID: 25205138, 36714460, 36233295). Relevant functional assessments of this variant are available in the literature (PMID: 16917880). c.5343+5G>A has not been observed in referenced population frequency databases. In summary, NM_001271208.1(NEB):c.5343+5G>A is an intronic variant that has been observed more frequently in cases with the relevant disease than in healthy populations. Please note: this variant was assessed in the context of healthy population screening.

Muscle and Diseases Team, Institut de Génétique et Biologie Moléculaire et Cellulaire
Classification: Pathogenic for Nemaline myopathy. Last evaluated: 2024-03-01. Review status: criteria provided, single submitter. Criteria: ACMG Guidelines, 2015. Collection method: research. Allele origin: maternal. Affected: yes. Observed: 1 variant allele.
Comment: PS3+PM1+PM2+PM3+PP3+PP4+PP5

Baylor Genetics
Classification: Pathogenic for Arthrogryposis multiplex congenita 6. Last evaluated: 2023-11-22. Review status: criteria provided, single submitter. Criteria: ACMG Guidelines, 2015. Collection method: clinical testing. Allele origin: unknown.

Broad Center for Mendelian Genomics, Broad Institute of MIT and Harvard
Classification: Likely pathogenic for Nemaline myopathy 2. Last evaluated: 2023-05-02. Review status: criteria provided, single submitter. Criteria: ACMG Guidelines, 2015. Collection method: curation. Allele origin: germline. Inheritance: Autosomal recessive inheritance.
Comment: The c.5343+5G>A variant in NEB has been previously reported in three individuals with nemaline myopathy 2 (PMID: 24725366, PMID: 16917880, PMID: 36233295). This variant was absent from large population studies. This variant has also been reported in ClinVar (Variation ID: 1458230) and has been interpreted as pathogenic by Invitae. Of the three affected individuals previously reported, two were compound heterozygotes who carried likely pathogenic variants in trans PMID: 24725366, NC_000002.12:g.151524617del; RT-PCR analysis performed on affected tissue showed evidence of in-frame exon skipping of exon 43; in-frame exon skipping of exon 43 was also seen in a mini-gene assay of cultured muscle cells with the variant (PMID: 16917880). In summary, although additional studies are required to fully establish its clinical significance, this variant is likely pathogenic for autosomal recessive nemaline myopathy 2. ACMG/AMP Criteria applied: PS3_Moderate, PM2_Supporting, PM3_Strong (Richards 2015).

Labcorp Genetics (formerly Invitae), Labcorp
Classification: Pathogenic for Nemaline myopathy 2. Last evaluated: 2022-11-28. Review status: criteria provided, single submitter. Criteria: Invitae Variant Classification Sherloc (09022015). Collection method: clinical testing. Allele origin: germline.
Comment: This sequence change falls in intron 43 of the NEB gene. It does not directly change the encoded amino acid sequence of the NEB protein. RNA analysis indicates that this variant induces altered splicing and likely results in a shortened protein product. This variant is not present in population databases (gnomAD no frequency). This variant has been observed in individual(s) with nemaline myopathy (PMID: 16917880, 25205138). In at least one individual the data is consistent with being in trans (on the opposite chromosome) from a pathogenic variant. ClinVar contains an entry for this variant (Variation ID: 1458230). Variants that disrupt the consensus splice site are a relatively common cause of aberrant splicing (PMID: 17576681, 9536098). Studies have shown that this variant results in skipping of exon 43, but is expected to preserve the integrity of the reading-frame (PMID: 16917880). For these reasons, this variant has been classified as Pathogenic.

Fulgent Genetics
Classification: Likely pathogenic for Nemaline myopathy 2; Arthrogryposis multiplex congenita 6. Last evaluated: 2021-10-16. Review status: criteria provided, single submitter. Criteria: ACMG Guidelines, 2015. Collection method: clinical testing. Allele origin: unknown.

Literature cited by the submitters: PubMed 16917880 (cited by 3 submitters); PubMed 36714460 (cited by Natera, Inc. and Myriad Genetics, Inc.); PubMed 36233295 (cited by Natera, Inc. and Myriad Genetics, Inc.); PubMed 25205138 (cited by 3 submitters); DOI 10.1186/s13073-024-01353-0 (cited by Muscle and Diseases Team, Institut de Génétique et Biologie Moléculaire et Cellulaire); PubMed 24725366 (cited by Muscle and Diseases Team, Institut de Génétique et Biologie Moléculaire et Cellulaire); PubMed 17576681 (cited by Labcorp Genetics (formerly Invitae), Labcorp); PubMed 9536098 (cited by Labcorp Genetics (formerly Invitae), Labcorp).